The following is an entry in ClinVar:

ClinVar aggregate classification (germline): Uncertain significance (1 of 4 stars; one submission).

Submission:

GeneDx
Classification: Uncertain significance. Last evaluated: 2024-03-04. Review status: criteria provided, single submitter. Criteria: GeneDx Variant Classification Process June 2021. Collection method: clinical testing. Allele origin: germline. Affected: yes.
Comment: Not observed at significant frequency in large population cohorts (gnomAD); In silico analysis supports that this missense variant does not alter protein structure/function; Has not been previously published as pathogenic or benign to our knowledge

NM_000531.6(OTC):c.82G>A (p.Gly28Arg)

Gene: OTC (ornithine transcarbamylase; plus strand). Cytogenetic location: Xp11.4.
Variant type: single nucleotide variant.
Coding change: c.82G>A on transcript NM_000531.6 (MANE Select); coding-DNA position 82, G replaced by A.
Protein change: p.Gly28Arg; replaces glycine 28 with arginine.
Molecular consequence: missense variant.
Genome position (GRCh38, 1-based): chrX:38,367,295, G>A. VCF-style: chrX-38367295-G-A. GRCh37 (hg19) VCF-style: chrX-38226548-G-A.
Other names: c.82G>A, p.Gly28Arg (NM_001407092.1); short protein forms G28R.
Identifiers: ClinVar variation 3369855 (VCV003369855.1).